The following is an entry in ClinVar:

ClinVar aggregate classification (germline): Uncertain significance (1 of 4 stars; one submission).

Allele frequency attached by ClinVar (database versions not stated): ExAC 0.00008.
gnomAD v4.1: 5 of 1,534,508 alleles (0.00033%); highest among the groups gnomAD compares: South Asian, 0.0036%; no homozygotes.

Submission:

Labcorp Genetics (formerly Invitae), Labcorp
Classification: Uncertain significance. Last evaluated: 2021-09-01. Review status: criteria provided, single submitter. Criteria: Invitae Variant Classification Sherloc (09022015). Collection method: clinical testing. Allele origin: germline.
Comment: This sequence change replaces proline with leucine at codon 799 of the PDZD7 protein (p.Pro799Leu). The proline residue is weakly conserved and there is a moderate physicochemical difference between proline and leucine. While this variant is present in population databases (rs765565547), the frequency information is unreliable, as metrics indicate poor data quality at this position in the ExAC database. This variant has not been reported in the literature in individuals affected with PDZD7-related conditions. Algorithms developed to predict the effect of missense changes on protein structure and function are either unavailable or do not agree on the potential impact of this missense change (SIFT: "Deleterious"; PolyPhen-2: "Not Available"; Align-GVGD: "Class C0"). In summary, the available evidence is currently insufficient to determine the role of this variant in disease. Therefore, it has been classified as a Variant of Uncertain Significance.

NM_001195263.2(PDZD7):c.2396C>T (p.Pro799Leu)

Gene: PDZD7 (PDZ domain containing 7; minus strand). Cytogenetic location: 10q24.31.
Variant type: single nucleotide variant.
Coding change: c.2396C>T on transcript NM_001195263.2 (MANE Select); coding-DNA position 2396, C replaced by T.
Protein change: p.Pro799Leu; replaces proline 799 with leucine.
Molecular consequence: missense variant.
Genome position (GRCh38, 1-based): chr10:101,010,493, G>A on the plus strand (C>T on the coding strand, the complement: PDZD7 is on the minus strand). VCF-style: chr10-101010493-G-A. GRCh37 (hg19) VCF-style: chr10-102770250-G-A.
Other names: short protein forms P799L.
Identifiers: ClinVar variation 1513027 (VCV001513027.5), dbSNP rs765565547, ClinGen allele CA5653973.
Genomic context (GRCh38, chr10:101,010,493, plus strand): 5'-CTGGCCTTCCGAGGCTTGTGGTAGCGCCCATTGGTCATGCTGGGGGCAGGGGTAGGCACC[G>A]GGGATGGGGAGCGTCTACCTGGAGACTTGCCTTGACCCCGGCTGCTGCGGCTGCGGCTGC-3'
Protein context (NP_001182192.1, residues 789-809): GKSPGRRSPS[Pro799Leu]VPTPAPSMTN